The following is an entry in ClinVar:

ClinVar aggregate classification (germline): Uncertain significance. Review status: criteria provided, multiple submitters, no conflicts (2 of 4 stars). 2 submissions from 2 submitters: Uncertain significance (2). Last evaluated 2022-12-26.

Conditions:
Hereditary diffuse gastric adenocarcinoma (HDGC). Also called: DIFFUSE GASTRIC AND LOBULAR BREAST CANCER SYNDROME. Identifiers: Orphanet 26106, MedGen C1708349, MONDO:0007648, OMIM 137215.

Allele frequency attached by ClinVar (database versions not stated): gnomAD exomes below 0.00001.
gnomAD v4.1: 1 of 1,614,136 alleles (0.000062%); highest among the groups gnomAD compares: Non-Finnish European, 0.000085%; no homozygotes.

Submissions (2):

Labcorp Genetics (formerly Invitae), Labcorp
Classification: Uncertain significance for Hereditary diffuse gastric adenocarcinoma. Last evaluated: 2022-12-26. Review status: criteria provided, single submitter. Criteria: Invitae Variant Classification Sherloc (09022015). Collection method: clinical testing. Allele origin: germline.
Comment: ClinVar contains an entry for this variant (Variation ID: 1709738). This variant has not been reported in the literature in individuals affected with CDH1-related conditions. This variant is not present in population databases (gnomAD no frequency). This sequence change replaces serine, which is neutral and polar, with asparagine, which is neutral and polar, at codon 770 of the CDH1 protein (p.Ser770Asn). Algorithms developed to predict the effect of missense changes on protein structure and function are either unavailable or do not agree on the potential impact of this missense change (SIFT: "Deleterious"; PolyPhen-2: "Probably Damaging"; Align-GVGD: "Class C0"). In summary, the available evidence is currently insufficient to determine the role of this variant in disease. Therefore, it has been classified as a Variant of Uncertain Significance.

MGZ Medical Genetics Center
Classification: Uncertain significance for Hereditary diffuse gastric adenocarcinoma. Last evaluated: 2022-08-08. Review status: criteria provided, single submitter. Criteria: ACMG Guidelines, 2015. Collection method: clinical testing. Allele origin: germline. Affected: yes. Observed: 1 variant allele.
Comment: ACMG criteria applied: PM2_SUP, PP3

NM_004360.5(CDH1):c.2309G>A (p.Ser770Asn)

Gene: CDH1 (cadherin 1; plus strand). Cytogenetic location: 16q22.1.
Variant type: single nucleotide variant.
Coding change: c.2309G>A on transcript NM_004360.5 (MANE Select); coding-DNA position 2309, G replaced by A.
Protein change: p.Ser770Asn; replaces serine 770 with asparagine.
Molecular consequence: missense variant.
Genome position (GRCh38, 1-based): chr16:68,829,667, G>A. VCF-style: chr16-68829667-G-A. GRCh37 (hg19) VCF-style: chr16-68863570-G-A.
Other names: c.2126G>A, p.Ser709Asn (NM_001317184.2); c.761G>A, p.Ser254Asn (NM_001317185.2); c.344G>A, p.Ser115Asn (NM_001317186.2); short protein forms S115N, S254N, S709N, S770N.
Identifiers: ClinVar variation 1709738 (VCV001709738.5), dbSNP rs2152142237, ClinGen allele CA396470798.